The following is an entry in ClinVar:

NM_014795.4(ZEB2):c.585del (p.Glu196fs)

Genes: ZEB2 (zinc finger E-box binding homeobox 2; minus strand), LOC111721705 (skeletal muscle cis-regulatory module overlapping ZEB2; plus strand). Cytogenetic location: 2q22.3.
Variant type: Deletion.
Coding change: c.585del on transcript NM_014795.4 (MANE Select); coding-DNA position 585, one base deleted (A; older notation c.585delA).
Protein change: p.Glu196fs; shifts the reading frame from glutamic acid 196.
Molecular consequence: frameshift variant.
Genome position (GRCh38, 1-based): chr2:144,404,843, T deleted on the plus strand (A on the coding strand, the reverse complement: ZEB2 is on the minus strand); the first of 2 consecutive T bases (chr2:144,404,843-144,404,844); deleting either gives the same sequence. VCF-style (leftmost placement, unchanged base first): chr2-144404842-CT-C. GRCh37 (hg19) VCF-style: chr2-145162409-CT-C.
Other names: c.513del, p.Glu172fs (NM_001171653.2); c.585delA (NM_014795.3); short protein forms E172fs, E196fs.
Identifiers: ClinVar variation 661350 (VCV000661350.2), dbSNP rs1573722122, ClinGen allele CA915942803.
Genomic context (GRCh38, chr2:144,404,842, plus strand): 5'-ATTGTAACAGCTGCAGAGGTCAGTGCAGTGGCTAAAAATGATTTACAGCCTCACCATTTT[CT>C]TCTTGCCCATTGGCCTCTGGCGTGCCAAGGCGAGACAGCTCCTCAGGGGCTTCTGGGTAA-3'

ClinVar aggregate classification (germline): Pathogenic (1 of 4 stars; one submission).

Conditions:
Mowat-Wilson syndrome (MOWS). Also called: Classic Mowat-Wilson Syndrome. Identifiers: Orphanet 2152, MedGen C1856113, MONDO:0009341, OMIM 235730.

Submission:

Labcorp Genetics (formerly Invitae), Labcorp
Classification: Pathogenic for Mowat-Wilson syndrome. Last evaluated: 2018-08-30. Review status: criteria provided, single submitter. Criteria: Invitae Variant Classification Sherloc (09022015). Collection method: clinical testing. Allele origin: germline.
Comment: This sequence change creates a premature translational stop signal (p.Glu196Lysfs*16) in the ZEB2 gene. It is expected to result in an absent or disrupted protein product. This variant is not present in population databases (ExAC no frequency). This variant has not been reported in the literature in individuals with ZEB2-related disease. Loss-of-function variants in ZEB2 are known to be pathogenic (PMID: 16053902). For these reasons, this variant has been classified as Pathogenic.

Literature cited by the submitters: PubMed 16053902.